The following is an entry in ClinVar:

NM_001330260.2(SCN8A):c.867C>T (p.Asn289=)

Gene: SCN8A (sodium voltage-gated channel alpha subunit 8; plus strand). Cytogenetic location: 12q13.13.
Variant type: single nucleotide variant.
Coding change: c.867C>T on transcript NM_001330260.2 (MANE Select); coding-DNA position 867, C replaced by T.
Protein change: p.Asn289=; no amino-acid change (asparagine 289 retained).
Molecular consequence: synonymous variant.
Genome position (GRCh38, 1-based): chr12:51,699,730, C>T. VCF-style: chr12-51699730-C-T. GRCh37 (hg19) VCF-style: chr12-52093514-C-T.
Other names: c.867C>T, p.Asn289= (NM_001177984.3, NM_001369788.1, NM_014191.4).
Identifiers: ClinVar variation 378556 (VCV000378556.12), dbSNP rs375801783, ClinGen allele CA6571161.

ClinVar aggregate classification (germline): Likely benign. Review status: criteria provided, multiple submitters, no conflicts (2 of 4 stars). 3 submissions from 3 submitters: Likely benign (3). Last evaluated 2025-12-13.

Conditions:
Inborn genetic diseases. Identifiers: MedGen C0950123, MeSH D030342.
Early-infantile DEE. Also called: Early infantile epileptic encephalopathy; Ohtahara syndrome; Early infantile epileptic encephalopathy with suppression bursts. Identifiers: Orphanet 1934, MedGen C0393706, MONDO:0800491.

Allele frequency attached by ClinVar (database versions not stated): gnomAD exomes 0.00002 and 0.00007; ExAC 0.00003; gnomAD 0.00004; TOPMed 0.00004; ESP Exome Variant Server 0.00008.
gnomAD v4.1: 100 of 1,613,716 alleles (0.0062%); highest among the groups gnomAD compares: Non-Finnish European, 0.0077%; 1 homozygote.

Submissions (3):

Labcorp Genetics (formerly Invitae), Labcorp
Classification: Likely benign for Early-infantile DEE. Last evaluated: 2025-12-13. Review status: criteria provided, single submitter. Criteria: Invitae Variant Classification Sherloc (09022015). Collection method: clinical testing. Allele origin: germline.

Ambry Genetics
Classification: Likely benign for Inborn genetic diseases. Last evaluated: 2018-02-28. Review status: criteria provided, single submitter. Criteria: Ambry Variant Classification Scheme 2023. Collection method: clinical testing. Allele origin: germline.

GeneDx
Classification: Likely benign. Last evaluated: 2016-11-03. Review status: criteria provided, single submitter. Criteria: GeneDx Variant Classification (06012015). Collection method: clinical testing. Allele origin: germline. Affected: yes.
Comment: This variant is considered likely benign or benign based on one or more of the following criteria: it is a conservative change, it occurs at a poorly conserved position in the protein, it is predicted to be benign by multiple in silico algorithms, and/or has population frequency not consistent with disease.